The following is an entry in ClinVar:

ClinVar aggregate classification (germline): Uncertain significance (1 of 4 stars; one submission).

Allele frequency attached by ClinVar (database versions not stated): gnomAD exomes below 0.00001; TOPMed below 0.00001; gnomAD 0.00001; 1000 Genomes Project 30x 0.00016.
gnomAD v4.1: 7 of 1,551,556 alleles (0.00045%); highest among the groups gnomAD compares: Middle Eastern, 0.017%; no homozygotes.

Submission:

Labcorp Genetics (formerly Invitae), Labcorp
Classification: Uncertain significance. Last evaluated: 2022-06-26. Review status: criteria provided, single submitter. Criteria: Invitae Variant Classification Sherloc (09022015). Collection method: clinical testing. Allele origin: germline.
Comment: This sequence change replaces threonine, which is neutral and polar, with methionine, which is neutral and non-polar, at codon 2943 of the UNC80 protein (p.Thr2943Met). In summary, the available evidence is currently insufficient to determine the role of this variant in disease. Therefore, it has been classified as a Variant of Uncertain Significance. Algorithms developed to predict the effect of missense changes on protein structure and function are either unavailable or do not agree on the potential impact of this missense change (SIFT: "Not Available"; PolyPhen-2: "Probably Damaging"; Align-GVGD: "Not Available"). This variant has not been reported in the literature in individuals affected with UNC80-related conditions. This variant is not present in population databases (gnomAD no frequency).

NM_001371986.1(UNC80):c.9026C>T (p.Thr3009Met)

Gene: UNC80 (unc-80 subunit of NALCN channel complex; plus strand). Cytogenetic location: 2q34.
Variant type: single nucleotide variant.
Coding change: c.9026C>T on transcript NM_001371986.1 (MANE Select); coding-DNA position 9026, C replaced by T.
Protein change: p.Thr3009Met; replaces threonine 3009 with methionine.
Molecular consequence: missense variant.
Genome position (GRCh38, 1-based): chr2:209,978,616, C>T. VCF-style: chr2-209978616-C-T. GRCh37 (hg19) VCF-style: chr2-210843340-C-T.
Other names: c.8828C>T, p.Thr2943Met (NM_032504.2); c.8813C>T, p.Thr2938Met (NM_182587.4); short protein forms T2943M, T2938M, T3009M.
Identifiers: ClinVar variation 1515319 (VCV001515319.8), dbSNP rs757257649, ClinGen allele CA64659338.
Genomic context (GRCh38, chr2:209,978,616, plus strand): 5'-CCGTGGGCACCTCCACCTCTGCTTACCGCCTGAGCTTGGCCACCATGTCCCGCTCTAACA[C>T]GGGCACGGGCACTGTCTGGGAGCAGGACAGTGAGCCATCCCAGCAGGCTTCGCAGGACAC-3'
Protein context (NP_001358915.1, residues 2999-3019): LSLATMSRSN[Thr3009Met]GTGTVWEQDS